The following is an entry in ClinVar:

ClinVar aggregate classification (germline): Likely pathogenic (1 of 4 stars; one submission).

Conditions:
Intellectual developmental disorder, X-linked, syndromic, Claes-Jensen type. Also called: Syndromic X-linked intellectual disability Claes-Jensen type; INTELLECTUAL DEVELOPMENTAL DISORDER, X-LINKED, SYNDROMIC 16; MENTAL RETARDATION, X-LINKED, SYNDROMIC 16. Identifiers: Orphanet 85279, MedGen C1845243, MONDO:0010355, OMIM 300534.

Submission:

Laboratorio de Genetica e Diagnostico Molecular, Hospital Israelita Albert Einstein
Classification: Likely pathogenic for Intellectual developmental disorder, X-linked, syndromic, Claes-Jensen type. Last evaluated: 2026-03-12. Review status: criteria provided, single submitter. Criteria: ACMG Guidelines, 2015. Collection method: clinical testing. Allele origin: germline. Affected: yes.
Comment: ACMG classification criteria: PVS1 very strong, PM2 supporting

NM_004187.5(KDM5C):c.1871del (p.Pro624fs)

Gene: KDM5C (lysine demethylase 5C; minus strand). Cytogenetic location: Xp11.22.
Variant type: Deletion.
Coding change: c.1871del on transcript NM_004187.5 (MANE Select); coding-DNA position 1871, one base deleted (C; older notation c.1871delC).
Protein change: p.Pro624fs; shifts the reading frame from proline 624.
Molecular consequence: frameshift variant. On other transcripts: non-coding transcript variant (3).
Genome position (GRCh38, 1-based): chrX:53,201,740, G deleted on the plus strand (C on the coding strand, the reverse complement: KDM5C is on the minus strand); the first of 2 consecutive G bases (chrX:53,201,740-53,201,741); deleting either gives the same sequence. VCF-style (leftmost placement, unchanged base first): chrX-53201739-AG-A. GRCh37 (hg19) VCF-style: chrX-53230921-AG-A.
Other names: c.1670del, p.Pro557fs (NM_001146702.2); c.1868del, p.Pro623fs (NM_001282622.3, NM_001353979.2, NM_001353982.2); c.1871del, p.Pro624fs (NM_001353978.3, NM_001353981.2, NM_001353984.2); short protein forms P557fs, P623fs, P624fs.
Identifiers: ClinVar variation 4846833 (VCV004846833.1).